The following is an entry in ClinVar:

NM_018180.3(DHX32):c.1910A>G (p.Asn637Ser)

Genes: BCCIP (BRCA2 and CDKN1A interacting protein; plus strand), DHX32 (DEAH-box helicase 32 (putative); minus strand). Cytogenetic location: 10q26.2.
Variant type: single nucleotide variant.
Coding change: c.1910A>G on transcript NM_018180.3 (MANE Select); coding-DNA position 1910, A replaced by G.
Protein change: p.Asn637Ser; replaces asparagine 637 with serine.
Molecular consequence: missense variant. On other transcripts: intron variant (2).
Genome position (GRCh38, 1-based): chr10:125,838,359, T>C on the plus strand (A>G on the coding strand, the complement: DHX32 is on the minus strand). VCF-style: chr10-125838359-T-C. GRCh37 (hg19) VCF-style: chr10-127526928-T-C.
Other names: c.775-2896T>C (NM_016567.4, NM_078469.3); short protein forms N637S.
Identifiers: ClinVar variation 3020197 (VCV003020197.3), dbSNP rs1335188254, ClinGen allele CA378672770.

ClinVar aggregate classification (germline): Uncertain significance (1 of 4 stars; one submission).

Allele frequency attached by ClinVar (database versions not stated): TOPMed below 0.00001; gnomAD 0.00001.
gnomAD v4.1: 1 of 1,597,986 alleles (0.000063%); highest among the groups gnomAD compares: Non-Finnish European, 0.000085%; no homozygotes.

Submission:

Labcorp Genetics (formerly Invitae), Labcorp
Classification: Uncertain significance. Last evaluated: 2023-07-13. Review status: criteria provided, single submitter. Criteria: Invitae Variant Classification Sherloc (09022015). Collection method: clinical testing. Allele origin: germline.
Comment: In summary, the available evidence is currently insufficient to determine the role of this variant in disease. Therefore, it has been classified as a Variant of Uncertain Significance. An algorithm developed to predict the effect of missense changes on protein structure and function (PolyPhen-2) suggests that this variant is likely to be disruptive. This variant has not been reported in the literature in individuals affected with DHX32-related conditions. This variant is not present in population databases (gnomAD no frequency). This sequence change replaces asparagine, which is neutral and polar, with serine, which is neutral and polar, at codon 637 of the DHX32 protein (p.Asn637Ser).